The following is an entry in ClinVar:

ClinVar aggregate classification (germline): Uncertain significance (1 of 4 stars; one submission).

Conditions:
MHC class I deficiency. Identifiers: Orphanet 34592, MedGen C6024714, MONDO:0011476.

gnomAD v4.1: 20 of 1,611,506 alleles (0.0012%); highest among the groups gnomAD compares: African/African-American, 0.0027%; no homozygotes.

Submission:

Labcorp Genetics (formerly Invitae), Labcorp
Classification: Uncertain significance for MHC class I deficiency 1. Last evaluated: 2024-05-09. Review status: criteria provided, single submitter. Criteria: Invitae Variant Classification Sherloc (09022015). Collection method: clinical testing. Allele origin: germline.
Comment: This sequence change creates a premature translational stop signal (p.Arg383*) in the TAPBP gene. It is expected to result in an absent or disrupted protein product. However, the current clinical and genetic evidence is not sufficient to establish whether loss-of-function variants in TAPBP cause disease. This variant is present in population databases (rs79026906, gnomAD 0.006%). This variant has not been reported in the literature in individuals affected with TAPBP-related conditions. Algorithms developed to predict the effect of sequence changes on RNA splicing suggest that this variant may disrupt the consensus splice site. In summary, the available evidence is currently insufficient to determine the role of this variant in disease. Therefore, it has been classified as a Variant of Uncertain Significance.

NM_003190.5(TAPBP):c.1147C>T (p.Arg383Ter)

Gene: TAPBP (TAP binding protein; minus strand). Cytogenetic location: 6p21.32.
Variant type: single nucleotide variant.
Coding change: c.1147C>T on transcript NM_003190.5 (MANE Select); coding-DNA position 1147, C replaced by T.
Protein change: p.Arg383Ter; replaces arginine 383 with a stop codon.
Molecular consequence: nonsense.
Genome position (GRCh38, 1-based): chr6:33,304,360, G>A on the plus strand (C>T on the coding strand, the complement: TAPBP is on the minus strand). VCF-style: chr6-33304360-G-A. GRCh37 (hg19) VCF-style: chr6-33272137-G-A.
Other names: c.1147C>T, p.Arg383Ter (NM_001410875.1, NM_172208.3); c.886C>T, p.Arg296Ter (NM_172209.3); short protein forms R296*, R383*.
Identifiers: ClinVar variation 3620417 (VCV003620417.2).
Genomic context (GRCh38, chr6:33,304,360, plus strand): 5'-CTACCTCCAGGGTGACCTCAGCGCTGCGCCCCGAGGCAGGCAGGCTGGGATGGTGAATTC[G>A]ACAGGCATAGCGTGCCCCATGCTGCTCAGTGGTGACTGGGGGCGGCTGCAAGTGCCCAGA-3'